The following is an entry in ClinVar:

NM_014363.6(SACS):c.2034dup (p.Phe679fs)

Gene: SACS (sacsin molecular chaperone; minus strand). Cytogenetic location: 13q12.12.
Variant type: Duplication.
Coding change: c.2034dup on transcript NM_014363.6 (MANE Select); coding-DNA position 2034, one base duplicated (C; older notation c.2034dupC).
Protein change: p.Phe679fs; shifts the reading frame from phenylalanine 679.
Molecular consequence: frameshift variant.
Genome position (GRCh38, 1-based): chr13:23,354,578, G duplicated on the plus strand (C on the coding strand, the reverse complement: SACS is on the minus strand); the first of 4 consecutive G bases (chr13:23,354,578-23,354,581); duplicating any one gives the same sequence. VCF-style (leftmost placement, unchanged base first): chr13-23354577-A-AG. GRCh37 (hg19) VCF-style: chr13-23928716-A-AG.
Other names: c.1593dup, p.Phe532fs (NM_001278055.2); short protein forms F532fs, F679fs.
Identifiers: ClinVar variation 1912782 (VCV001912782.5), dbSNP rs2542390721, ClinGen allele CA2580086850.

ClinVar aggregate classification (germline): Pathogenic (1 of 4 stars; one submission).

Conditions:
Spastic paraplegia. Identifiers: MedGen C0037772, HP:0001258.

Submission:

Labcorp Genetics (formerly Invitae), Labcorp
Classification: Pathogenic for Spastic paraplegia. Last evaluated: 2023-10-25. Review status: criteria provided, single submitter. Criteria: Invitae Variant Classification Sherloc (09022015). Collection method: clinical testing. Allele origin: germline.
Comment: This sequence change creates a premature translational stop signal (p.Phe679Leufs*27) in the SACS gene. It is expected to result in an absent or disrupted protein product. Loss-of-function variants in SACS are known to be pathogenic (PMID: 18465152, 20876471). This variant is not present in population databases (gnomAD no frequency). This variant has not been reported in the literature in individuals affected with SACS-related conditions. ClinVar contains an entry for this variant (Variation ID: 1912782). For these reasons, this variant has been classified as Pathogenic.

Literature cited by the submitters: PubMed 18465152; PubMed 20876471.